The following is an entry in ClinVar:

ClinVar aggregate classification (germline): Pathogenic/Likely pathogenic. Review status: criteria provided, multiple submitters, no conflicts (2 of 4 stars). 3 submissions from 3 submitters: Pathogenic (1); Likely pathogenic (1). 1 of the submissions does not count toward it. Last evaluated 2025-05-19.

Conditions:
Spastic paraplegia. Identifiers: MedGen C0037772, HP:0001258.
Spastic paraplegia 18a, autosomal dominant. Identifiers: MedGen C5882694, MONDO:0957788, OMIM 620512.

Submissions (3):

GeneDx
Classification: Likely pathogenic. Last evaluated: 2025-05-19. Review status: criteria provided, single submitter. Criteria: GeneDx Variant Classification Process June 2021. Collection method: clinical testing. Allele origin: germline. Affected: yes.
Comment: Not observed at significant frequency in large population cohorts (gnomAD); In silico analysis supports that this missense variant has a deleterious effect on protein structure/function; This variant is associated with the following publications: (PMID: 37752894, 21330303, 34734492, 40225166, 32094424)

Labcorp Genetics (formerly Invitae), Labcorp
Classification: Pathogenic for Spastic paraplegia. Last evaluated: 2024-09-05. Review status: criteria provided, single submitter. Criteria: Invitae Variant Classification Sherloc (09022015). Collection method: clinical testing. Allele origin: germline.
Comment: This sequence change replaces alanine, which is neutral and non-polar, with valine, which is neutral and non-polar, at codon 151 of the ERLIN2 protein (p.Ala151Val). This variant is not present in population databases (gnomAD no frequency). This missense change has been observed in individual(s) with autosomal dominant hereditary spastic paraplegia (PMID: 32094424; internal data). In at least one individual the variant was observed to be de novo. It has also been observed to segregate with disease in related individuals. ClinVar contains an entry for this variant (Variation ID: 458243). Invitae Evidence Modeling of protein sequence and biophysical properties (such as structural, functional, and spatial information, amino acid conservation, physicochemical variation, residue mobility, and thermodynamic stability) indicates that this missense variant is not expected to disrupt ERLIN2 protein function with a negative predictive value of 80%. For these reasons, this variant has been classified as Pathogenic.

OMIM
Classification: Pathogenic for SPASTIC PARAPLEGIA 18A, AUTOSOMAL DOMINANT. Last evaluated: 2023-10-12. Review status: no assertion criteria provided. Collection method: literature only. Allele origin: germline. Not counted in ClinVar's aggregate classification.

Literature cited by the submitters: PubMed 32094424 (cited by Labcorp Genetics (formerly Invitae), Labcorp and OMIM).

NM_007175.8(ERLIN2):c.452C>T (p.Ala151Val)

Gene: ERLIN2 (ER lipid raft associated 2; plus strand). Cytogenetic location: 8p11.23.
Variant type: single nucleotide variant.
Coding change: c.452C>T on transcript NM_007175.8 (MANE Select); coding-DNA position 452, C replaced by T.
Protein change: p.Ala151Val; replaces alanine 151 with valine.
Molecular consequence: missense variant.
Genome position (GRCh38, 1-based): chr8:37,749,586, C>T. VCF-style: chr8-37749586-C-T. GRCh37 (hg19) VCF-style: chr8-37607104-C-T.
Other names: c.452C>T, p.Ala151Val (NM_001362878.2); short protein forms A151V.
Identifiers: ClinVar variation 458243 (VCV000458243.8), dbSNP rs1554517327, ClinGen allele CA370658209.
Genomic context (GRCh38, chr8:37,749,586, plus strand): 5'-AACTCCTTTTTCTCCATCTTTTCTTTATTCCAGATCAGATTGATGAAAATCTCAAACTGG[C>T]TTTGCAACAGGACCTGACCTCCATGGCCCCTGGGCTGGTCATTCAAGTAAGCATTGCTGC-3'
Protein context (NP_009106.1, residues 141-161): FDQIDENLKL[Ala151Val]LQQDLTSMAP